The following is an entry in ClinVar:

ClinVar aggregate classification (germline): Uncertain significance. Review status: criteria provided, multiple submitters, no conflicts (2 of 4 stars). 2 submissions from 2 submitters: Uncertain significance (2). Last evaluated 2022-02-11.

gnomAD v4.1: 26 of 1,614,134 alleles (0.0016%); highest among the groups gnomAD compares: Admixed American, 0.0067%; no homozygotes.

Submissions (2):

Labcorp Genetics (formerly Invitae), Labcorp
Classification: Uncertain significance. Last evaluated: 2022-02-11. Review status: criteria provided, single submitter. Criteria: Invitae Variant Classification Sherloc (09022015). Collection method: clinical testing. Allele origin: germline.
Comment: This sequence change replaces arginine, which is basic and polar, with tryptophan, which is neutral and slightly polar, at codon 46 of the MTTP protein (p.Arg46Trp). This variant is present in population databases (rs141736123, gnomAD 0.006%). This variant has not been reported in the literature in individuals affected with MTTP-related conditions. Algorithms developed to predict the effect of missense changes on protein structure and function are either unavailable or do not agree on the potential impact of this missense change (SIFT: "Deleterious"; PolyPhen-2: "Possibly Damaging"; Align-GVGD: "Class C0"). In summary, the available evidence is currently insufficient to determine the role of this variant in disease. Therefore, it has been classified as a Variant of Uncertain Significance.

Blueprint Genetics
Classification: Uncertain significance. Last evaluated: 2021-05-27. Review status: criteria provided, single submitter. Criteria: ACMG Guidelines, 2015. Collection method: clinical testing. Allele origin: germline.

NM_001386140.1(MTTP):c.136C>T (p.Arg46Trp)

Gene: MTTP (microsomal triglyceride transfer protein; plus strand). Cytogenetic location: 4q23.
Variant type: single nucleotide variant.
Coding change: c.136C>T on transcript NM_001386140.1 (MANE Select); coding-DNA position 136, C replaced by T.
Protein change: p.Arg46Trp; replaces arginine 46 with tryptophan.
Molecular consequence: missense variant. On other transcripts: 5 prime UTR variant (1).
Genome position (GRCh38, 1-based): chr4:99,581,979, C>T. VCF-style: chr4-99581979-C-T. GRCh37 (hg19) VCF-style: chr4-100503136-C-T.
Other names: c.136C>T, p.Arg46Trp (NM_000253.4); c.-114C>T (NM_001300785.2); short protein forms R46W.
Identifiers: ClinVar variation 2164373 (VCV002164373.2), dbSNP rs141736123, ClinGen allele CA3021749.